The following is an entry in ClinVar:

NM_005876.5(SPEG):c.7858+6G>C

Genes: ASIC4-AS1 (ASIC4 antisense RNA 1; minus strand), SPEG (striated muscle enriched protein kinase; plus strand). Cytogenetic location: 2q35.
Variant type: single nucleotide variant.
Coding change: c.7858+6G>C on transcript NM_005876.5 (MANE Select); 6 bases into the intron after coding-DNA position 7858, G replaced by C.
Molecular consequence: intron variant.
Genome position (GRCh38, 1-based): chr2:219,488,316, G>C. VCF-style: chr2-219488316-G-C. GRCh37 (hg19) VCF-style: chr2-220353038-G-C.
Identifiers: ClinVar variation 4766903 (VCV004766903.1).

ClinVar aggregate classification (germline): Uncertain significance (1 of 4 stars; one submission).

gnomAD v4.1: 4 of 1,602,286 alleles (0.00025%); highest among the groups gnomAD compares: African/African-American, 0.0013%; no homozygotes.

Submission:

Labcorp Genetics (formerly Invitae), Labcorp
Classification: Uncertain significance. Last evaluated: 2025-11-23. Review status: criteria provided, single submitter. Criteria: Invitae Variant Classification Sherloc (09022015). Collection method: clinical testing. Allele origin: germline.
Comment: This sequence change falls in intron 32 of the SPEG gene. It does not directly change the encoded amino acid sequence of the SPEG protein. It affects a nucleotide within the consensus splice site. This variant is not present in population databases (gnomAD no frequency). This variant has not been reported in the literature in individuals affected with SPEG-related conditions. Variants that disrupt the consensus splice site are a relatively common cause of aberrant splicing (PMID: 17576681, 9536098). Algorithms developed to predict the effect of sequence changes on RNA splicing suggest that this variant is not likely to affect RNA splicing. In summary, the available evidence is currently insufficient to determine the role of this variant in disease. Therefore, it has been classified as a Variant of Uncertain Significance.

Literature cited by the submitters: PubMed 17576681; PubMed 9536098.